The following is an entry in ClinVar:

NM_000487.6(ARSA):c.640G>T (p.Ala214Ser)

Gene: ARSA (arylsulfatase A; minus strand). Cytogenetic location: 22q13.33.
Variant type: single nucleotide variant.
Coding change: c.640G>T on transcript NM_000487.6 (MANE Select); coding-DNA position 640, G replaced by T.
Protein change: p.Ala214Ser; replaces alanine 214 with serine.
Molecular consequence: missense variant.
Genome position (GRCh38, 1-based): chr22:50,626,878, C>A on the plus strand (G>T on the coding strand, the complement: ARSA is on the minus strand). VCF-style: chr22-50626878-C-A. GRCh37 (hg19) VCF-style: chr22-51065306-C-A.
Other names: c.640G>T, p.Ala214Ser (NM_001085425.3, NM_001085426.3, NM_001085427.3); c.382G>T, p.Ala128Ser (NM_001085428.3, NM_001362782.2); short protein forms A128S, A214S.
Identifiers: ClinVar variation 3385205 (VCV003385205.1).

ClinVar aggregate classification (germline): Uncertain significance (1 of 4 stars; one submission).

Submission:

Women's Health and Genetics/Laboratory Corporation of America, LabCorp
Classification: Uncertain significance. Last evaluated: 2024-10-30. Review status: criteria provided, single submitter. Criteria: LabCorp Variant Classification Summary - May 2015. Collection method: clinical testing. Allele origin: germline.
Comment: Variant summary: ARSA c.640G>T (p.Ala214Ser) results in a conservative amino acid change in the encoded protein sequence. Two of four in-silico tools predict a benign effect of the variant on protein function. The variant was absent in 250630 control chromosomes. The available data on variant occurrences in the general population are insufficient to allow any conclusion about variant significance. c.640G>T has been reported in the literature in individuals affected with adult type Metachromatic Leukodystrophy in the presence of an alternate homozygous ARSA variant, with the c.640G>T reported as part of an ARSA haplotype (e.g. Gort_2000). This report does not provide unequivocal conclusions about association of the variant with Metachromatic Leukodystrophy. To our knowledge, no experimental evidence demonstrating an impact on protein function has been reported. The following publication has been ascertained in the context of this evaluation (PMID: 11013459). No submitters have cited clinical-significance assessments for this variant to ClinVar. Based on the evidence outlined above, the variant was classified as uncertain significance.

Literature cited by the submitters: PubMed 11013459; PubMed 9375919.